The following is an entry in ClinVar:

ClinVar aggregate classification (germline): Uncertain significance (1 of 4 stars; one submission).

Conditions:
Short QT syndrome type 3. Identifiers: Orphanet 51083, MedGen C1865018, MONDO:0012314, OMIM 609622.
Andersen Tawil syndrome (LQT7). Also called: Potassium-sensitive periodic paralysis, ventricular ectopy, and dysmorphic features; Andersen Syndrome; LONG QT SYNDROME 7; PERIODIC PARALYSIS, POTASSIUM-SENSITIVE CARDIODYSRHYTHMIC TYPE; ANDERSEN CARDIODYSRHYTHMIC PERIODIC PARALYSIS. Identifiers: Orphanet 37553, MedGen C1563715, MONDO:0008222, OMIM 170390.

Submission:

Labcorp Genetics (formerly Invitae), Labcorp
Classification: Uncertain significance for Short QT syndrome type 3; Andersen Tawil syndrome. Last evaluated: 2021-07-20. Review status: criteria provided, single submitter. Criteria: Invitae Variant Classification Sherloc (09022015). Collection method: clinical testing. Allele origin: germline.
Comment: This sequence change replaces asparagine with serine at codon 370 of the KCNJ2 protein (p.Asn370Ser). The asparagine residue is highly conserved and there is a small physicochemical difference between asparagine and serine. This variant is not present in population databases (ExAC no frequency). This variant has not been reported in the literature in individuals with KCNJ2-related conditions. Algorithms developed to predict the effect of missense changes on protein structure and function output the following: SIFT: "Tolerated"; PolyPhen-2: "Benign"; Align-GVGD: "Class C0". The serine amino acid residue is found in multiple mammalian species, suggesting that this missense change does not adversely affect protein function. These predictions have not been confirmed by published functional studies and their clinical significance is uncertain. Algorithms developed to predict the effect of sequence changes on RNA splicing suggest that this variant may create or strengthen a splice site, but this prediction has not been confirmed by published transcriptional studies. In summary, the available evidence is currently insufficient to determine the role of this variant in disease. Therefore, it has been classified as a Variant of Uncertain Significance.

NM_000891.3(KCNJ2):c.1109A>G (p.Asn370Ser)

Gene: KCNJ2 (potassium inwardly rectifying channel subfamily J member 2; plus strand). Cytogenetic location: 17q24.3.
Variant type: single nucleotide variant.
Coding change: c.1109A>G on transcript NM_000891.3 (MANE Select); coding-DNA position 1109, A replaced by G.
Protein change: p.Asn370Ser; replaces asparagine 370 with serine.
Molecular consequence: missense variant.
Genome position (GRCh38, 1-based): chr17:70,176,148, A>G. VCF-style: chr17-70176148-A-G. GRCh37 (hg19) VCF-style: chr17-68172289-A-G.
Other names: short protein forms N370S.
Identifiers: ClinVar variation 1440327 (VCV001440327.8), dbSNP rs2144377959, ClinGen allele CA400863543.
Genomic context (GRCh38, chr17:70,176,148, plus strand): 5'-TCCCCAACACTCCCCTTTGTAGTGCCAGAGACTTAGCAGAAAAGAAATATATCCTCTCAA[A>G]TGCAAATTCATTTTGCTATGAAAATGAAGTTGCCCTCACAAGCAAAGAGGAAGACGACAG-3'
Protein context (NP_000882.1, residues 360-380): DLAEKKYILS[Asn370Ser]ANSFCYENEV